The following is an entry in ClinVar:

NM_000038.6(APC):c.6988T>A (p.Ser2330Thr)

Gene: APC (APC regulator of Wnt signaling pathway; plus strand). Cytogenetic location: 5q22.2.
Variant type: single nucleotide variant.
Coding change: c.6988T>A on transcript NM_000038.6 (MANE Select); coding-DNA position 6988, T replaced by A.
Protein change: p.Ser2330Thr; replaces serine 2330 with threonine.
Molecular consequence: missense variant.
Genome position (GRCh38, 1-based): chr5:112,842,582, T>A. VCF-style: chr5-112842582-T-A. GRCh37 (hg19) VCF-style: chr5-112178279-T-A.
Other names: c.6715T>A, p.Ser2239Thr (NM_001354902.2); c.6685T>A, p.Ser2229Thr (NM_001354903.2); c.6610T>A, p.Ser2204Thr (NM_001354904.2); c.6508T>A, p.Ser2170Thr (NM_001354905.2); c.6139T>A, p.Ser2047Thr (NM_001354906.2); c.6988T>A, p.Ser2330Thr (NM_001127510.3, NM_001354895.2); c.6934T>A, p.Ser2312Thr (NM_001127511.3); c.7042T>A, p.Ser2348Thr (NM_001354896.2); and 5 more; short protein forms S2330T, S2312T, S2239T, S2289T, S2305T, S2047T, S2229T, S2302T.
Identifiers: ClinVar variation 628104 (VCV000628104.5), dbSNP rs1561611800, ClinGen allele CA16036564.

ClinVar aggregate classification (germline): Uncertain significance (1 of 4 stars; one submission).

Conditions:
Hereditary cancer-predisposing syndrome. Also called: Neoplastic Syndromes, Hereditary; Tumor predisposition; Hereditary neoplastic syndrome; Hereditary Cancer Syndrome. Identifiers: Orphanet 140162, MedGen C0027672, MeSH D009386, MONDO:0015356.

Submission:

Color Diagnostics, LLC DBA Color Health
Classification: Uncertain significance for Hereditary cancer-predisposing syndrome. Last evaluated: 2023-12-05. Review status: criteria provided, single submitter. Criteria: ACMG Guidelines, 2015. Collection method: clinical testing. Allele origin: germline.
Comment: This missense variant replaces serine with threonine at codon 2330 of the APC protein. Computational prediction suggests that this variant may not impact protein structure and function (internally defined REVEL score threshold <= 0.5, PMID: 27666373). To our knowledge, functional studies have not been reported for this variant. This variant has not been reported in individuals affected with APC-related disorders in the literature. This variant has not been identified in the general population by the Genome Aggregation Database (gnomAD). The available evidence is insufficient to determine the role of this variant in disease conclusively. Therefore, this variant is classified as a Variant of Uncertain Significance.